The following is an entry in ClinVar:

ClinVar aggregate classification (germline): Uncertain significance (1 of 4 stars; one submission).

gnomAD v4.1: 31 of 1,613,814 alleles (0.0019%); highest among the groups gnomAD compares: Non-Finnish European, 0.00076%; no homozygotes.

Submission:

Labcorp Genetics (formerly Invitae), Labcorp
Classification: Uncertain significance. Last evaluated: 2025-07-21. Review status: criteria provided, single submitter. Criteria: Invitae Variant Classification Sherloc (09022015). Collection method: clinical testing. Allele origin: germline.
Comment: This sequence change replaces isoleucine, which is neutral and non-polar, with valine, which is neutral and non-polar, at codon 68 of the VDR protein (p.Ile68Val). This variant is present in population databases (rs779775712, gnomAD 0.01%). This variant has not been reported in the literature in individuals affected with VDR-related conditions. Invitae Evidence Modeling of protein sequence and biophysical properties (such as structural, functional, and spatial information, amino acid conservation, physicochemical variation, residue mobility, and thermodynamic stability) indicates that this missense variant is not expected to disrupt VDR protein function with a negative predictive value of 80%. In summary, the available evidence is currently insufficient to determine the role of this variant in disease. Therefore, it has been classified as a Variant of Uncertain Significance.

NM_000376.3(VDR):c.202A>G (p.Ile68Val)

Gene: VDR (vitamin D receptor; minus strand). Cytogenetic location: 12q13.11.
Variant type: single nucleotide variant.
Coding change: c.202A>G on transcript NM_000376.3 (MANE Select); coding-DNA position 202, A replaced by G.
Protein change: p.Ile68Val; replaces isoleucine 68 with valine.
Molecular consequence: missense variant.
Genome position (GRCh38, 1-based): chr12:47,865,122, T>C on the plus strand (A>G on the coding strand, the complement: VDR is on the minus strand). VCF-style: chr12-47865122-T-C. GRCh37 (hg19) VCF-style: chr12-48258905-T-C.
Other names: c.202A>G, p.Ile68Val (NM_001017535.2, NM_001364085.2, NM_001374661.1 and 1 more transcripts); c.352A>G, p.Ile118Val (NM_001017536.2); short protein forms I118V, I68V.
Identifiers: ClinVar variation 4697314 (VCV004697314.1).